The following is an entry in ClinVar:

ClinVar aggregate classification (germline): Likely benign. Review status: reviewed by expert panel (3 of 4 stars). 2 submissions from 2 submitters: Likely benign (1). 1 of the submissions does not count toward it. Last evaluated 2023-11-13.

Conditions:
Hereditary thrombocytopenia and hematological cancer predisposition syndrome associated with RUNX1. Also called: Familial thrombocytopenia with propensity to acute myelogenous leukemia; PLATELET DISORDER, ASPIRIN-LIKE; RUNX1 Familial Platelet Disorder with Associated Myeloid Malignancies; Familial Platelet Disorder with Propensity to Acute Myelogenous Leukemia. Identifiers: Orphanet 71290, MedGen C1832388, MeSH C563324, MONDO:0100083, OMIM 601399.
Hereditary thrombocytopenia and hematologic cancer predisposition syndrome. Identifiers: Orphanet 71290, MedGen CN281654, MONDO:0011071.

Allele frequency attached by ClinVar (database versions not stated): gnomAD exomes below 0.00001; gnomAD 0.00001; 1000 Genomes Project 30x 0.00016; 1000 Genomes Project 0.00020.
gnomAD v4.1: 1 of 1,614,016 alleles (0.000062%); highest among the groups gnomAD compares: East Asian, 0.0022%; no homozygotes.

Submissions (2):

ClinGen Myeloid Malignancy Variant Curation Expert Panel
Classification: Likely benign for Hereditary thrombocytopenia and hematologic cancer predisposition syndrome. Last evaluated: 2023-11-13. Review status: reviewed by expert panel. Criteria: ClinGen MyeloMalig ACMG Specifications v2. Collection method: curation. Allele origin: germline.
Comment: NM_001754.5(RUNX1):c.508+9T>G is an intronic varaint. MAF of 0.00019 (0.019%, 1/5204 alleles) in the East Asian subpopulation of the gnomAD 3.1.2 cohort is between 0.00015 (0.015%) and 0.0015 (0.15%) (BS1). In summary, this variant meets the criteria to be classified as likely benign. REVEL score is not applicable and SpliceAI <=0.20 (0.03) (BP4). ACMG/AMP criteria applied, as specified by the Myeloid Malignancy Variant Curation Expert Panel for RUNX1: BS1, BP4

Labcorp Genetics (formerly Invitae), Labcorp
Classification: Likely benign for Hereditary thrombocytopenia and hematological cancer predisposition syndrome associated with RUNX1. Last evaluated: 2025-07-02. Review status: criteria provided, single submitter. Criteria: Invitae Variant Classification Sherloc (09022015). Collection method: clinical testing. Allele origin: germline. Not counted in ClinVar's aggregate classification.

NM_001754.5(RUNX1):c.508+9T>G

Genes: RUNX1 (RUNX family transcription factor 1; minus strand), RUNX1-AS1 (RUNX1 antisense RNA 1; plus strand). Cytogenetic location: 21q22.12.
Variant type: single nucleotide variant.
Coding change: c.508+9T>G on transcript NM_001754.5 (MANE Select); 9 bases into the intron after coding-DNA position 508, T replaced by G.
Molecular consequence: intron variant.
Genome position (GRCh38, 1-based): chr21:34,880,548, A>C on the plus strand (T>G on the coding strand, the complement: RUNX1 is on the minus strand). VCF-style: chr21-34880548-A-C. GRCh37 (hg19) VCF-style: chr21-36252845-A-C.
Other names: c.427+9T>G (NM_001001890.3, NM_001122607.2).
Identifiers: ClinVar variation 1157351 (VCV001157351.10), dbSNP rs549290119, ClinGen allele CA320637826.
Genomic context (GRCh38, chr21:34,880,548, plus strand): 5'-CTAGAATTTTGAAATGTGGGTTTGTTGCCATGAAACGTGTTTCAAGCATAGTTTTGACAG[A>C]TAACGTACCTCTTCCACTTCGACCGACAAACCTGAGGTCATTAAATCTTGCAACCTGGTT-3'